The following is an entry in ClinVar:

ClinVar aggregate classification (germline): Uncertain significance. Review status: criteria provided, multiple submitters, no conflicts (2 of 4 stars). 2 submissions from 2 submitters: Uncertain significance (2). Last evaluated 2025-08-25.

Conditions:
Fanconi anemia complementation group J. Also called: BRIP1-Related Fanconi Anemia. Identifiers: Orphanet 84, MedGen C1836860, MONDO:0012187, OMIM 609054.
Familial cancer of breast. Also called: Hereditary breast cancer; hereditary breast carcinoma; BREAST CANCER, FAMILIAL. Identifiers: Orphanet 227535, MedGen C0346153, MONDO:0016419, OMIM 114480. Disease mechanism: loss of function.
Hereditary cancer-predisposing syndrome. Also called: Hereditary Cancer Syndrome; Hereditary neoplastic syndrome; Neoplastic Syndromes, Hereditary; Tumor predisposition. Identifiers: Orphanet 140162, MedGen C0027672, MeSH D009386, MONDO:0015356.

Submissions (2):

Labcorp Genetics (formerly Invitae), Labcorp
Classification: Uncertain significance for Familial cancer of breast; Fanconi anemia complementation group J. Last evaluated: 2025-08-25. Review status: criteria provided, single submitter. Criteria: Invitae Variant Classification Sherloc (09022015). Collection method: clinical testing. Allele origin: germline.
Comment: This sequence change replaces valine, which is neutral and non-polar, with alanine, which is neutral and non-polar, at codon 76 of the BRIP1 protein (p.Val76Ala). This variant is not present in population databases (gnomAD no frequency). This variant has not been reported in the literature in individuals affected with BRIP1-related conditions. ClinVar contains an entry for this variant (Variation ID: 3482395). Invitae Evidence Modeling of protein sequence and biophysical properties (such as structural, functional, and spatial information, amino acid conservation, physicochemical variation, residue mobility, and thermodynamic stability) indicates that this missense variant is not expected to disrupt BRIP1 protein function with a negative predictive value of 95%. In summary, the available evidence is currently insufficient to determine the role of this variant in disease. Therefore, it has been classified as a Variant of Uncertain Significance.

Ambry Genetics
Classification: Uncertain significance for Hereditary cancer-predisposing syndrome. Last evaluated: 2024-08-28. Review status: criteria provided, single submitter. Criteria: Ambry Variant Classification Scheme 2023. Collection method: clinical testing. Allele origin: germline.
Comment: The p.V76A variant (also known as c.227T>C), located in coding exon 3 of the BRIP1 gene, results from a T to C substitution at nucleotide position 227. The valine at codon 76 is replaced by alanine, an amino acid with similar properties. This amino acid position is conserved. In addition, this alteration is predicted to be tolerated by in silico analysis. Based on the available evidence, the clinical significance of this variant remains unclear.

NM_032043.3(BRIP1):c.227T>C (p.Val76Ala)

Gene: BRIP1 (BRCA1 interacting DNA helicase 1; minus strand). Cytogenetic location: 17q23.2.
Variant type: single nucleotide variant.
Coding change: c.227T>C on transcript NM_032043.3 (MANE Select); coding-DNA position 227, T replaced by C.
Protein change: p.Val76Ala; replaces valine 76 with alanine.
Molecular consequence: missense variant.
Genome position (GRCh38, 1-based): chr17:61,857,210, A>G on the plus strand (T>C on the coding strand, the complement: BRIP1 is on the minus strand). VCF-style: chr17-61857210-A-G. GRCh37 (hg19) VCF-style: chr17-59934571-A-G.
Other names: short protein forms V76A.
Identifiers: ClinVar variation 3482395 (VCV003482395.2).
Genomic context (GRCh38, chr17:61,857,210, plus strand): 5'-GTAAAATCCTTTGAATGGCATGCACAACAACATGACAATTGTACTTCAGCTTTTTCACTT[A>G]CGCCCTCATCTGCTGGTTTCCCTAAAAATGAAAGAACATCTATTTATAATATATCTAATT-3'
Protein context (NP_114432.2, residues 66-86): SLSGKPADEG[Val76Ala]SEKAEVQLSC